The following is an entry in ClinVar:

NM_002392.6(MDM2):c.1161A>C (p.Lys387Asn)

Gene: MDM2 (MDM2 proto-oncogene; plus strand). Cytogenetic location: 12q15.
Variant type: single nucleotide variant.
Coding change: c.1161A>C on transcript NM_002392.6 (MANE Select); coding-DNA position 1161, A replaced by C.
Protein change: p.Lys387Asn; replaces lysine 387 with asparagine.
Molecular consequence: missense variant.
Genome position (GRCh38, 1-based): chr12:68,839,516, A>C. VCF-style: chr12-68839516-A-C. GRCh37 (hg19) VCF-style: chr12-69233296-A-C.
Other names: c.1002A>C, p.Lys334Asn (NM_001145337.3); c.996A>C, p.Lys332Asn (NM_001145339.2); c.555A>C, p.Lys185Asn (NM_001145340.3); c.633A>C, p.Lys211Asn (NM_001278462.2); c.1143A>C, p.Lys381Asn (NM_001367990.1); short protein forms K387N, K211N, K332N, K334N, K381N, K185N.
Identifiers: ClinVar variation 2170024 (VCV002170024.4), dbSNP rs2136178265, ClinGen allele CA385704921.

ClinVar aggregate classification (germline): Uncertain significance (1 of 4 stars; one submission).

Conditions:
Accelerated tumor formation, susceptibility to (ACTFS). Identifiers: MedGen C3280690, OMIM 614401, MONDO:0013733.

Submission:

Labcorp Genetics (formerly Invitae), Labcorp
Classification: Uncertain significance for Accelerated tumor formation, susceptibility to. Last evaluated: 2024-03-06. Review status: criteria provided, single submitter. Criteria: Invitae Variant Classification Sherloc (09022015). Collection method: clinical testing. Allele origin: germline.
Comment: This sequence change replaces lysine, which is basic and polar, with asparagine, which is neutral and polar, at codon 387 of the MDM2 protein (p.Lys387Asn). This variant is not present in population databases (gnomAD no frequency). This variant has not been reported in the literature in individuals affected with MDM2-related conditions. ClinVar contains an entry for this variant (Variation ID: 2170024). An algorithm developed to predict the effect of missense changes on protein structure and function (PolyPhen-2) suggests that this variant is likely to be disruptive. In summary, the available evidence is currently insufficient to determine the role of this variant in disease. Therefore, it has been classified as a Variant of Uncertain Significance.